The following is an entry in ClinVar:

NM_032340.4(UQCC2):c.225C>A (p.Pro75=)

Gene: UQCC2 (ubiquinol-cytochrome c reductase complex assembly factor 2; minus strand). Cytogenetic location: 6p21.31.
Variant type: single nucleotide variant.
Coding change: c.225C>A on transcript NM_032340.4 (MANE Select); coding-DNA position 225, C replaced by A.
Protein change: p.Pro75=; no amino-acid change (proline 75 retained).
Molecular consequence: synonymous variant.
Genome position (GRCh38, 1-based): chr6:33,700,502, G>T on the plus strand (C>A on the coding strand, the complement: UQCC2 is on the minus strand). VCF-style: chr6-33700502-G-T. GRCh37 (hg19) VCF-style: chr6-33668279-G-T.
Other names: p.Pro75=.
Identifiers: ClinVar variation 516964 (VCV000516964.18), dbSNP rs114881155, ClinGen allele CA3762472.

ClinVar aggregate classification (germline): Benign/Likely benign. Review status: criteria provided, multiple submitters, no conflicts (2 of 4 stars). 5 submissions from 5 submitters: Benign (2); Likely benign (3). Last evaluated 2026-09-01.

Conditions:
Mitochondrial complex III deficiency nuclear type 7. Identifiers: MedGen C4014408, MONDO:0014356, OMIM 615824.

Allele frequency attached by ClinVar (database versions not stated): gnomAD exomes 0.00032 and 0.00050; ExAC 0.00063; gnomAD 0.00166 and 0.00173; ESP Exome Variant Server 0.00169; 1000 Genomes Project 0.00180; TOPMed 0.00188; 1000 Genomes Project 30x 0.00234.
gnomAD v4.1: 709 of 1,614,180 alleles (0.044%); highest among the groups gnomAD compares: African/African-American, 0.54%; 1 homozygote.

Submissions (5):

CeGaT Center for Human Genetics Tuebingen
Classification: Likely benign. Last evaluated: 2026-09-01. Review status: criteria provided, single submitter. Criteria: CeGaT Center For Human Genetics Tuebingen Variant Classification Criteria Version 2. Collection method: clinical testing. Allele origin: germline. Affected: yes. Observed: 1 variant allele.
Comment: UQCC2: BP4, BP7

Labcorp Genetics (formerly Invitae), Labcorp
Classification: Benign. Last evaluated: 2025-12-10. Review status: criteria provided, single submitter. Criteria: Invitae Variant Classification Sherloc (09022015). Collection method: clinical testing. Allele origin: germline.

Mayo Clinic Laboratories, Mayo Clinic
Classification: Likely benign. Last evaluated: 2024-11-08. Review status: criteria provided, single submitter. Criteria: ACMG Guidelines, 2015. Collection method: clinical testing. Allele origin: germline. Observed: 1 variant allele.
Comment: BP4, BP7

GeneDx
Classification: Likely benign. Last evaluated: 2021-10-04. Review status: criteria provided, single submitter. Criteria: GeneDx Variant Classification Process June 2021. Collection method: clinical testing. Allele origin: germline. Affected: yes.

Fulgent Genetics
Classification: Benign for Mitochondrial complex III deficiency nuclear type 7. Last evaluated: 2021-09-07. Review status: criteria provided, single submitter. Criteria: ACMG Guidelines, 2015. Collection method: clinical testing. Allele origin: unknown.